The following is an entry in ClinVar:

ClinVar aggregate classification (germline): Uncertain significance. Review status: criteria provided, multiple submitters, no conflicts (2 of 4 stars). 2 submissions from 2 submitters: Uncertain significance (2). Last evaluated 2025-01-01.

Conditions:
Inborn genetic diseases. Identifiers: MedGen C0950123, MeSH D030342.
Polyhydramnios, megalencephaly, and symptomatic epilepsy (PMSE). Also called: PMSE SYNDROME. Identifiers: Orphanet 500533, MedGen C1970203, MONDO:0012611, OMIM 611087.

gnomAD v4.1: 8 of 1,613,924 alleles (0.0005%); highest among the groups gnomAD compares: South Asian, 0.0033%; no homozygotes.

Submissions (2):

Ambry Genetics
Classification: Uncertain significance for Inborn genetic diseases. Last evaluated: 2025-01-01. Review status: criteria provided, single submitter. Criteria: Ambry Variant Classification Scheme 2023. Collection method: clinical testing. Allele origin: germline.

Labcorp Genetics (formerly Invitae), Labcorp
Classification: Uncertain significance for Polyhydramnios, megalencephaly, and symptomatic epilepsy. Last evaluated: 2024-05-15. Review status: criteria provided, single submitter. Criteria: Invitae Variant Classification Sherloc (09022015). Collection method: clinical testing. Allele origin: germline.
Comment: This sequence change replaces aspartic acid, which is acidic and polar, with asparagine, which is neutral and polar, at codon 428 of the STRADA protein (p.Asp428Asn). This variant is not present in population databases (gnomAD no frequency). This variant has not been reported in the literature in individuals affected with STRADA-related conditions. ClinVar contains an entry for this variant (Variation ID: 2199348). An algorithm developed to predict the effect of missense changes on protein structure and function (PolyPhen-2) suggests that this variant is likely to be disruptive. In summary, the available evidence is currently insufficient to determine the role of this variant in disease. Therefore, it has been classified as a Variant of Uncertain Significance.

NM_001003787.4(STRADA):c.1282G>A (p.Asp428Asn)

Gene: STRADA (STE20 related adaptor alpha; minus strand). Cytogenetic location: 17q23.3.
Variant type: single nucleotide variant.
Coding change: c.1282G>A on transcript NM_001003787.4 (MANE Select); coding-DNA position 1282, G replaced by A.
Protein change: p.Asp428Asn; replaces aspartic acid 428 with asparagine.
Molecular consequence: missense variant. On other transcripts: non-coding transcript variant (1), 3 prime UTR variant (7).
Genome position (GRCh38, 1-based): chr17:63,703,613, C>T on the plus strand (G>A on the coding strand, the complement: STRADA is on the minus strand). VCF-style: chr17-63703613-C-T. GRCh37 (hg19) VCF-style: chr17-61780973-C-T.
Other names: c.1171G>A, p.Asp391Asn (NM_001003786.3); c.1108G>A, p.Asp370Asn (NM_001003788.3); c.*159G>A (NM_001165969.2, NM_001165970.2, NM_001363788.1 and 2 more transcripts); c.1258G>A, p.Asp420Asn (NM_001363786.1); c.1195G>A, p.Asp399Asn (NM_001363787.1); c.*71G>A (NM_001363790.1); c.*1266G>A (NM_001411083.1, NM_001411084.1); c.*1277G>A (NM_001411085.1); and 2 more; short protein forms D428N, D370N, D399N, D391N, D420N.
Identifiers: ClinVar variation 2199348 (VCV002199348.5), dbSNP rs1171182845, ClinGen allele CA400585179.